The following is an entry in ClinVar:

NM_004700.4(KCNQ4):c.959C>T (p.Ser320Phe)

Gene: KCNQ4 (potassium voltage-gated channel subfamily Q member 4; plus strand). Cytogenetic location: 1p34.2.
Variant type: single nucleotide variant.
Coding change: c.959C>T on transcript NM_004700.4 (MANE Select); coding-DNA position 959, C replaced by T.
Protein change: p.Ser320Phe; replaces serine 320 with phenylalanine.
Molecular consequence: missense variant.
Genome position (GRCh38, 1-based): chr1:40,820,178, C>T. VCF-style: chr1-40820178-C-T. GRCh37 (hg19) VCF-style: chr1-41285850-C-T.
Other names: c.959C>T, p.Ser320Phe (NM_172163.3); short protein forms S320F.
Identifiers: ClinVar variation 3572701 (VCV003572701.1).

ClinVar aggregate classification (germline): Uncertain significance (1 of 4 stars; one submission).

Submission:

GeneDx
Classification: Uncertain significance. Last evaluated: 2024-07-10. Review status: criteria provided, single submitter. Criteria: GeneDx Variant Classification Process June 2021. Collection method: clinical testing. Allele origin: germline. Affected: yes.
Comment: Not observed at significant frequency in large population cohorts (gnomAD); In silico analysis supports that this missense variant has a deleterious effect on protein structure/function; Has not been previously published as pathogenic or benign to our knowledge